The following is an entry in ClinVar:

NM_001829.4(CLCN3):c.755T>C (p.Ile252Thr)

Gene: CLCN3 (chloride voltage-gated channel 3; plus strand). Cytogenetic location: 4q33.
Variant type: single nucleotide variant.
Coding change: c.755T>C on transcript NM_001829.4 (MANE Select); coding-DNA position 755, T replaced by C.
Protein change: p.Ile252Thr; replaces isoleucine 252 with threonine.
Molecular consequence: missense variant.
Genome position (GRCh38, 1-based): chr4:169,692,139, T>C. VCF-style: chr4-169692139-T-C. GRCh37 (hg19) VCF-style: chr4-170613290-T-C.
Other names: c.755T>C, p.Ile252Thr (NM_001243372.2, NM_173872.4); c.674T>C, p.Ile225Thr (NM_001243374.2); short protein forms I225T, I252T.
Identifiers: ClinVar variation 995566 (VCV000995566.3), dbSNP rs1732397227, ClinGen allele CA358737553.

ClinVar aggregate classification (germline): Likely pathogenic. Review status: criteria provided, single submitter (1 of 4 stars). 2 submissions from 2 submitters: Likely pathogenic (1). 1 of the submissions does not count toward it. Last evaluated 2022-03-15.

Conditions:
Neurodevelopmental delay. Identifiers: MedGen C4022738, HP:0012758.
Neurodevelopmental disorder with hypotonia and brain abnormalities. Identifiers: MedGen C5561977, MONDO:0859187, OMIM 619512.

Submissions (2):

SIB Swiss Institute of Bioinformatics
Classification: Likely pathogenic for Neurodevelopmental disorder with hypotonia and brain abnormalities. Last evaluated: 2022-03-15. Review status: criteria provided, single submitter. Criteria: ACMG Guidelines, 2015. Collection method: curation. Allele origin: unknown.
Comment: This variant is interpreted as likely pathogenic for Neurodevelopmental disorder with hypotonia and brain abnormalities, autosomal dominant. The following ACMG Tag(s) were applied: Absent from controls (or at extremely low frequency if recessive) in Exome Sequencing Project, 1000 Genomes Project, or Exome Aggregation Consortium (PM2); De novo, paternity and maternity confirmed (PS2 downgraded to moderate); Multiple lines of computational evidence support a deleterious effect on the gene or gene product (PP3); Missense variant in a gene that has a low rate of benign missense variation (PP2).

Laboratory of Medical Genetics Unit, Bambino Gesù Children's Hospital
Classification: Pathogenic for Neurodevelopmental delay. Review status: no assertion criteria provided. Collection method: clinical testing. Allele origin: de novo. Inheritance: Autosomal dominant inheritance. Affected: yes. Not counted in ClinVar's aggregate classification.

Literature cited by the submitters: PubMed 34186028 (cited by SIB Swiss Institute of Bioinformatics).